The following is an entry in ClinVar:

NM_000038.6(APC):c.7162G>A (p.Ala2388Thr)

Gene: APC (APC regulator of Wnt signaling pathway; plus strand). Cytogenetic location: 5q22.2.
Variant type: single nucleotide variant.
Coding change: c.7162G>A on transcript NM_000038.6 (MANE Select); coding-DNA position 7162, G replaced by A.
Protein change: p.Ala2388Thr; replaces alanine 2388 with threonine.
Molecular consequence: missense variant.
Genome position (GRCh38, 1-based): chr5:112,842,756, G>A. VCF-style: chr5-112842756-G-A. GRCh37 (hg19) VCF-style: chr5-112178453-G-A.
Other names: c.7162G>A, p.Ala2388Thr (NM_001127510.3, NM_001354895.2); c.7108G>A, p.Ala2370Thr (NM_001127511.3); c.7216G>A, p.Ala2406Thr (NM_001354896.2); c.7192G>A, p.Ala2398Thr (NM_001354897.2); c.7087G>A, p.Ala2363Thr (NM_001354898.2); c.7078G>A, p.Ala2360Thr (NM_001354899.2); c.7039G>A, p.Ala2347Thr (NM_001354900.2); c.6985G>A, p.Ala2329Thr (NM_001354901.2); and 5 more; short protein forms A2297T, A2329T, A2347T, A2360T, A2370T, A2388T, A2398T, A2105T.
Identifiers: ClinVar variation 927464 (VCV000927464.14), dbSNP rs1183808102, ClinGen allele CA16036928.
Genomic context (GRCh38, chr5:112,842,756, plus strand): 5'-TCTCCAGGTAGACAGATGAGCCAACAGAACCTTACCAAACAAACAGGTTTATCCAAGAAT[G>A]CCAGTAGTATTCCAAGAAGTGAGTCTGCCTCCAAAGGACTAAATCAGATGAATAATGGTA-3'
Protein context (NP_000029.2, residues 2378-2398): LTKQTGLSKN[Ala2388Thr]SSIPRSESAS

ClinVar aggregate classification (germline): Uncertain significance. Review status: criteria provided, multiple submitters, no conflicts (2 of 4 stars). 3 submissions from 3 submitters: Uncertain significance (3). Last evaluated 2025-07-19.

Conditions:
Hereditary cancer-predisposing syndrome. Also called: Neoplastic Syndromes, Hereditary; Hereditary Cancer Syndrome; Tumor predisposition; Hereditary neoplastic syndrome. Identifiers: Orphanet 140162, MedGen C0027672, MeSH D009386, MONDO:0015356.
Familial adenomatous polyposis 1 (FAP1). Also called: FAMILIAL ADENOMATOUS POLYPOSIS 1, ATTENUATED; POLYPOSIS, ADENOMATOUS INTESTINAL. Identifiers: MedGen C2713442, MONDO:0021056, OMIM 175100. Disease mechanism: loss of function.

Allele frequency attached by ClinVar (database versions not stated): gnomAD exomes below 0.00001.

Submissions (3):

Labcorp Genetics (formerly Invitae), Labcorp
Classification: Uncertain significance for Familial adenomatous polyposis 1. Last evaluated: 2025-07-19. Review status: criteria provided, single submitter. Criteria: Invitae Variant Classification Sherloc (09022015). Collection method: clinical testing. Allele origin: germline.
Comment: This sequence change replaces alanine, which is neutral and non-polar, with threonine, which is neutral and polar, at codon 2388 of the APC protein (p.Ala2388Thr). This variant is not present in population databases (gnomAD no frequency). This variant has not been reported in the literature in individuals affected with APC-related conditions. ClinVar contains an entry for this variant (Variation ID: 927464). Invitae Evidence Modeling of protein sequence and biophysical properties (such as structural, functional, and spatial information, amino acid conservation, physicochemical variation, residue mobility, and thermodynamic stability) indicates that this missense variant is not expected to disrupt APC protein function with a negative predictive value of 95%. In summary, the available evidence is currently insufficient to determine the role of this variant in disease. Therefore, it has been classified as a Variant of Uncertain Significance.

Ambry Genetics
Classification: Uncertain significance for Hereditary cancer-predisposing syndrome. Last evaluated: 2024-12-20. Review status: criteria provided, single submitter. Criteria: Ambry Variant Classification Scheme 2023. Collection method: clinical testing. Allele origin: germline.
Comment: The p.A2388T variant (also known as c.7162G>A), located in coding exon 15 of the APC gene, results from a G to A substitution at nucleotide position 7162. The alanine at codon 2388 is replaced by threonine, an amino acid with similar properties. This amino acid position is conserved. In addition, in silico predictors for this gene do not accurately predict pathogenicity. Based on the available evidence, the clinical significance of this variant remains unclear.

Color Diagnostics, LLC DBA Color Health
Classification: Uncertain significance for Hereditary cancer-predisposing syndrome. Last evaluated: 2023-12-05. Review status: criteria provided, single submitter. Criteria: ACMG Guidelines, 2015. Collection method: clinical testing. Allele origin: germline.
Comment: This missense variant replaces alanine with threonine at codon 2388 of the APC protein. Computational prediction suggests that this variant may not impact protein structure and function (internally defined REVEL score threshold <= 0.5, PMID: 27666373). To our knowledge, functional studies have not been reported for this variant. This variant has not been reported in individuals affected with APC-related disorders in the literature. This variant has not been identified in the general population by the Genome Aggregation Database (gnomAD). The available evidence is insufficient to determine the role of this variant in disease conclusively. Therefore, this variant is classified as a Variant of Uncertain Significance.